The following is an entry in ClinVar:

NM_000038.6(APC):c.7042A>T (p.Thr2348Ser)

Gene: APC (APC regulator of Wnt signaling pathway; plus strand). Cytogenetic location: 5q22.2.
Variant type: single nucleotide variant.
Coding change: c.7042A>T on transcript NM_000038.6 (MANE Select); coding-DNA position 7042, A replaced by T.
Protein change: p.Thr2348Ser; replaces threonine 2348 with serine.
Molecular consequence: missense variant.
Genome position (GRCh38, 1-based): chr5:112,842,636, A>T. VCF-style: chr5-112842636-A-T. GRCh37 (hg19) VCF-style: chr5-112178333-A-T.
Other names: c.7042A>T, p.Thr2348Ser (NM_001127510.3, NM_001354895.2, NM_001407450.1); c.6988A>T, p.Thr2330Ser (NM_001127511.3); c.7096A>T, p.Thr2366Ser (NM_001354896.2, NM_001407447.1, NM_001407448.1 and 1 more transcripts); c.7072A>T, p.Thr2358Ser (NM_001354897.2); c.6967A>T, p.Thr2323Ser (NM_001354898.2); c.6958A>T, p.Thr2320Ser (NM_001354899.2); c.6919A>T, p.Thr2307Ser (NM_001354900.2); c.6865A>T, p.Thr2289Ser (NM_001354901.2, NM_001407453.1); and 11 more; short protein forms T1964S, T2222S, T2289S, T2358S, T2257S, T2307S, T2320S, T2330S.
Identifiers: ClinVar variation 1976968 (VCV001976968.5), dbSNP rs2149978768, ClinGen allele CA16036681.

ClinVar aggregate classification (germline): Uncertain significance (1 of 4 stars; one submission).

Conditions:
Familial adenomatous polyposis 1 (FAP1). Also called: FAMILIAL ADENOMATOUS POLYPOSIS 1, ATTENUATED; POLYPOSIS, ADENOMATOUS INTESTINAL. Identifiers: MedGen C2713442, MONDO:0021056, OMIM 175100. Disease mechanism: loss of function.

Submission:

Labcorp Genetics (formerly Invitae), Labcorp
Classification: Uncertain significance for Familial adenomatous polyposis 1. Last evaluated: 2022-09-25. Review status: criteria provided, single submitter. Criteria: Invitae Variant Classification Sherloc (09022015). Collection method: clinical testing. Allele origin: germline.
Comment: This sequence change replaces threonine, which is neutral and polar, with serine, which is neutral and polar, at codon 2348 of the APC protein (p.Thr2348Ser). This variant is not present in population databases (gnomAD no frequency). This variant has not been reported in the literature in individuals affected with APC-related conditions. Advanced modeling of protein sequence and biophysical properties (such as structural, functional, and spatial information, amino acid conservation, physicochemical variation, residue mobility, and thermodynamic stability) performed at Invitae indicates that this missense variant is not expected to disrupt APC protein function. In summary, the available evidence is currently insufficient to determine the role of this variant in disease. Therefore, it has been classified as a Variant of Uncertain Significance.